The following is an entry in ClinVar:

NM_001195263.2(PDZD7):c.491G>A (p.Arg164Gln)

Gene: PDZD7 (PDZ domain containing 7; minus strand). Cytogenetic location: 10q24.31.
Variant type: single nucleotide variant.
Coding change: c.491G>A on transcript NM_001195263.2 (MANE Select); coding-DNA position 491, G replaced by A.
Protein change: p.Arg164Gln; replaces arginine 164 with glutamine.
Molecular consequence: missense variant.
Genome position (GRCh38, 1-based): chr10:101,023,487, C>T on the plus strand (G>A on the coding strand, the complement: PDZD7 is on the minus strand). VCF-style: chr10-101023487-C-T. GRCh37 (hg19) VCF-style: chr10-102783244-C-T.
Other names: c.491G>A, p.Arg164Gln (NM_001351044.2, NM_024895.5); short protein forms R164Q.
Identifiers: ClinVar variation 1021677 (VCV001021677.9), dbSNP rs551318046, ClinGen allele CA5654371.

ClinVar aggregate classification (germline): Uncertain significance (1 of 4 stars; one submission).

Allele frequency attached by ClinVar (database versions not stated): gnomAD exomes below 0.00001 and 0.00001; TOPMed below 0.00001; ExAC 0.00001; gnomAD 0.00001; 1000 Genomes Project 30x 0.00016; 1000 Genomes Project 0.00020.
gnomAD v4.1: 12 of 1,614,084 alleles (0.00074%); highest among the groups gnomAD compares: African/African-American, 0.004%; no homozygotes.

Submission:

Labcorp Genetics (formerly Invitae), Labcorp
Classification: Uncertain significance. Last evaluated: 2020-04-11. Review status: criteria provided, single submitter. Criteria: Invitae Variant Classification Sherloc (09022015). Collection method: clinical testing. Allele origin: germline.
Comment: This variant is present in population databases (rs551318046, ExAC 0.01%). This sequence change replaces arginine with glutamine at codon 164 of the PDZD7 protein (p.Arg164Gln). The arginine residue is highly conserved and there is a small physicochemical difference between arginine and glutamine. This variant has not been reported in the literature in individuals with PDZD7-related conditions. In summary, the available evidence is currently insufficient to determine the role of this variant in disease. Therefore, it has been classified as a Variant of Uncertain Significance. Algorithms developed to predict the effect of sequence changes on RNA splicing suggest that this variant may create or strengthen a splice site, but this prediction has not been confirmed by published transcriptional studies. Algorithms developed to predict the effect of missense changes on protein structure and function are either unavailable or do not agree on the potential impact of this missense change (SIFT: "Deleterious"; PolyPhen-2: "Not Available"; Align-GVGD: "Class C35").